The following is an entry in ClinVar:

ClinVar aggregate classification (germline): Benign. Review status: criteria provided, single submitter (1 of 4 stars). 2 submissions from 2 submitters: Benign (1). 1 of the submissions does not count toward it. Last evaluated 2022-06-14.

Conditions:
DOCK8-related disorder. Also called: DOCK8-related condition.
Combined immunodeficiency due to DOCK8 deficiency (HIES2). Also called: HYPER-IgE SYNDROME 2, AUTOSOMAL RECESSIVE, WITH RECURRENT INFECTIONS; HYPER-IgE RECURRENT INFECTION SYNDROME 2, AUTOSOMAL RECESSIVE; Hyper-IgE recurrent infection syndrome, autosomal recessive; DOCK8 Deficiency; HIES autosomal recessive. Identifiers: Orphanet 217390, MedGen C4722305, MONDO:0009478, OMIM 243700.

Submissions (2):

Labcorp Genetics (formerly Invitae), Labcorp
Classification: Benign for Combined immunodeficiency due to DOCK8 deficiency. Last evaluated: 2022-06-14. Review status: criteria provided, single submitter. Criteria: Invitae Variant Classification Sherloc (09022015). Collection method: clinical testing. Allele origin: germline.

PreventionGenetics, part of Exact Sciences
Classification: Likely benign for DOCK8-related condition. Last evaluated: 2022-08-16. Review status: no assertion criteria provided. Collection method: clinical testing. Allele origin: germline. Not counted in ClinVar's aggregate classification.
Comment: This variant is classified as likely benign based on ACMG/AMP sequence variant interpretation guidelines (Richards et al. 2015 PMID: 25741868, with internal and published modifications).

NM_203447.4(DOCK8):c.5962-13_5962-9del

Gene: DOCK8 (dedicator of cytokinesis 8; plus strand). Cytogenetic location: 9p24.3.
Variant type: Deletion.
Coding change: c.5962-13_5962-9del on transcript NM_203447.4 (MANE Select); 13 bases into the intron before coding-DNA position 5962 through 9 bases into the intron before coding-DNA position 5962, 5 bases deleted (TTTTT; older notation c.5962-13_5962-9delTTTTT).
Molecular consequence: intron variant.
Genome position (GRCh38, 1-based): chr9:451,998-452,002, TTTTT deleted; deleting any 5 consecutive bases within chr9:451,978-452,002 gives the same sequence; the c. name uses the placement nearest the transcript's 3' end. VCF-style (leftmost placement, unchanged base first): chr9-451977-ATTTTT-A. GRCh37 (hg19) VCF-style: chr9-451977-ATTTTT-A.
Other names: c.5962-13_5962-9del5 (NM_203447.3); c.5758-13_5758-9del (NM_001193536.2); c.5662-13_5662-9del (NM_001190458.2).
Identifiers: ClinVar variation 2059072 (VCV002059072.6), dbSNP rs35071801, ClinGen allele CA864781022.
Genomic context (GRCh38, chr9:451,977, plus strand): 5'-ACATATATATGTATGTGTATATATATATGTGTGTGTGTGTATATATATATATATATATAT[ATTTTT>A]TTTTTTTTTTTTTTTTTTTTCCCACCAGGGACCACTGGAAGTAGCCCAAGTGTTTTTGGC-3'